The following is an entry in ClinVar:

ClinVar aggregate classification (germline): Uncertain significance (1 of 4 stars; one submission).

Conditions:
Jeune thoracic dystrophy. Also called: Short-rib thoracic dysplasia; Jeune syndrome; Infantile thoracic dystrophy; Thoracic pelvic phalangeal dystrophy; Jeune's syndrome; Chondroectodermal dysplasia-like syndrome. Identifiers: Orphanet 474, MedGen C0265275, MONDO:0018770.
Nephronophthisis. Also called: Juvenile Nephronophthisis. Identifiers: Orphanet 655, MedGen C0687120, MONDO:0019005, HP:0000090.

gnomAD v4.1: 22 of 1,612,598 alleles (0.0014%); highest among the groups gnomAD compares: Non-Finnish European, 0.0018%; no homozygotes.

Submission:

Labcorp Genetics (formerly Invitae), Labcorp
Classification: Uncertain significance for Jeune thoracic dystrophy; Nephronophthisis. Last evaluated: 2022-07-03. Review status: criteria provided, single submitter. Criteria: Invitae Variant Classification Sherloc (09022015). Collection method: clinical testing. Allele origin: germline.
Comment: This sequence change replaces arginine, which is basic and polar, with proline, which is neutral and non-polar, at codon 926 of the TTC21B protein (p.Arg926Pro). This variant is not present in population databases (gnomAD no frequency). This variant has not been reported in the literature in individuals affected with TTC21B-related conditions. ClinVar contains an entry for this variant (Variation ID: 1438658). Algorithms developed to predict the effect of missense changes on protein structure and function are either unavailable or do not agree on the potential impact of this missense change (SIFT: "Deleterious"; PolyPhen-2: "Possibly Damaging"; Align-GVGD: "Class C15"). In summary, the available evidence is currently insufficient to determine the role of this variant in disease. Therefore, it has been classified as a Variant of Uncertain Significance.

NM_024753.5(TTC21B):c.2777G>C (p.Arg926Pro)

Gene: TTC21B (tetratricopeptide repeat domain 21B; minus strand). Cytogenetic location: 2q24.3.
Variant type: single nucleotide variant.
Coding change: c.2777G>C on transcript NM_024753.5 (MANE Select); coding-DNA position 2777, G replaced by C.
Protein change: p.Arg926Pro; replaces arginine 926 with proline.
Molecular consequence: missense variant.
Genome position (GRCh38, 1-based): chr2:165,899,861, C>G on the plus strand (G>C on the coding strand, the complement: TTC21B is on the minus strand). VCF-style: chr2-165899861-C-G. GRCh37 (hg19) VCF-style: chr2-166756371-C-G.
Other names: short protein forms R926P.
Identifiers: ClinVar variation 1438658 (VCV001438658.5), dbSNP rs747246700, ClinGen allele CA59785725.